The following is an entry in ClinVar:

NM_000038.6(APC):c.7883A>T (p.Gln2628Leu)

Gene: APC (APC regulator of Wnt signaling pathway; plus strand). Cytogenetic location: 5q22.2.
Variant type: single nucleotide variant.
Coding change: c.7883A>T on transcript NM_000038.6 (MANE Select); coding-DNA position 7883, A replaced by T.
Protein change: p.Gln2628Leu; replaces glutamine 2628 with leucine.
Molecular consequence: missense variant.
Genome position (GRCh38, 1-based): chr5:112,843,477, A>T. VCF-style: chr5-112843477-A-T. GRCh37 (hg19) VCF-style: chr5-112179174-A-T.
Other names: c.7883A>T (NM_000038.5); c.7883A>T, p.Gln2628Leu (NM_001127510.3, NM_001354895.2); c.7829A>T, p.Gln2610Leu (NM_001127511.3); c.7937A>T, p.Gln2646Leu (NM_001354896.2); c.7913A>T, p.Gln2638Leu (NM_001354897.2); c.7808A>T, p.Gln2603Leu (NM_001354898.2); c.7799A>T, p.Gln2600Leu (NM_001354899.2); c.7760A>T, p.Gln2587Leu (NM_001354900.2); and 6 more; short protein forms Q2502L, Q2600L, Q2638L, Q2345L, Q2468L, Q2603L, Q2537L, Q2610L.
Identifiers: ClinVar variation 1037403 (VCV001037403.11), dbSNP rs876659311, ClinGen allele CA16038459.

ClinVar aggregate classification (germline): Uncertain significance. Review status: criteria provided, multiple submitters, no conflicts (2 of 4 stars). 2 submissions from 2 submitters: Uncertain significance (2). Last evaluated 2023-08-25.

Conditions:
Hereditary cancer-predisposing syndrome. Also called: Neoplastic Syndromes, Hereditary; Hereditary Cancer Syndrome; Tumor predisposition; Hereditary neoplastic syndrome. Identifiers: Orphanet 140162, MedGen C0027672, MeSH D009386, MONDO:0015356.
Familial adenomatous polyposis 1 (FAP1). Also called: FAMILIAL ADENOMATOUS POLYPOSIS 1, ATTENUATED; POLYPOSIS, ADENOMATOUS INTESTINAL. Identifiers: MedGen C2713442, MONDO:0021056, OMIM 175100. Disease mechanism: loss of function.

Submissions (2):

Ambry Genetics
Classification: Uncertain significance for Hereditary cancer-predisposing syndrome. Last evaluated: 2023-08-25. Review status: criteria provided, single submitter. Criteria: Ambry Variant Classification Scheme 2023. Collection method: clinical testing. Allele origin: germline.
Comment: The p.Q2628L variant (also known as c.7883A>T), located in coding exon 15 of the APC gene, results from an A to T substitution at nucleotide position 7883. The glutamine at codon 2628 is replaced by leucine, an amino acid with dissimilar properties. This amino acid position is conserved. In addition, in silico predictors for this gene do not accurately predict pathogenicity. Since supporting evidence is limited at this time, the clinical significance of this alteration remains unclear.

Labcorp Genetics (formerly Invitae), Labcorp
Classification: Uncertain significance for Familial adenomatous polyposis 1. Last evaluated: 2022-06-24. Review status: criteria provided, single submitter. Criteria: Invitae Variant Classification Sherloc (09022015). Collection method: clinical testing. Allele origin: germline.
Comment: Algorithms developed to predict the effect of missense changes on protein structure and function are either unavailable or do not agree on the potential impact of this missense change (SIFT: "Deleterious"; PolyPhen-2: "Benign"; Align-GVGD: "Class C0"). This sequence change replaces glutamine, which is neutral and polar, with leucine, which is neutral and non-polar, at codon 2628 of the APC protein (p.Gln2628Leu). This variant is not present in population databases (gnomAD no frequency). This variant has not been reported in the literature in individuals affected with APC-related conditions. ClinVar contains an entry for this variant (Variation ID: 1037403). In summary, the available evidence is currently insufficient to determine the role of this variant in disease. Therefore, it has been classified as a Variant of Uncertain Significance.